The following is an entry in ClinVar:

NM_001011658.4(TRAPPC2):c.*1634G>T

Gene: TRAPPC2 (trafficking protein particle complex subunit 2; minus strand). Cytogenetic location: Xp22.2.
Variant type: single nucleotide variant.
Coding change: c.*1634G>T on transcript NM_001011658.4 (MANE Select); 1634 bases downstream of the stop codon, G replaced by T.
Molecular consequence: 3 prime UTR variant.
Genome position (GRCh38, 1-based): chrX:13,712,773, C>A on the plus strand (G>T on the coding strand, the complement: TRAPPC2 is on the minus strand). VCF-style: chrX-13712773-C-A. GRCh37 (hg19) VCF-style: chrX-13730892-C-A.
Other names: c.*1634G>T (NM_001128835.3, NM_014563.6).
Identifiers: ClinVar variation 915017 (VCV000915017.4), dbSNP rs187464655, ClinGen allele CA326090101.

ClinVar aggregate classification (germline): Benign (1 of 4 stars; one submission).

Conditions:
Spondyloepiphyseal dysplasia tarda (SEDT). Also called: SPONDYLOEPIPHYSEAL DYSPLASIA, LATE. Identifiers: Orphanet 93284, MedGen CN033239, MONDO:0019667.

Allele frequency attached by ClinVar (database versions not stated): gnomAD 0.00001 and 0.00004; TOPMed 0.00007; 1000 Genomes Project 30x 0.00042; 1000 Genomes Project 0.00053.

Submission:

Illumina Laboratory Services, Illumina
Classification: Benign for Spondyloepiphyseal dysplasia tarda, X-linked. Last evaluated: 2018-01-12. Review status: criteria provided, single submitter. Criteria: ICSL Variant Classification Criteria 13 December 2019. Collection method: clinical testing. Allele origin: germline.
Comment: This variant was observed in the ICSL laboratory as part of a predisposition screen in an ostensibly healthy population. It had not been previously curated by ICSL or reported in the Human Gene Mutation Database (HGMD: prior to June 1st, 2018), and was therefore a candidate for classification through an automated scoring system. Utilizing variant allele frequency, disease prevalence and penetrance estimates, and inheritance mode, an automated score was calculated to assess if this variant is too frequent to cause the disease. Based on the score and internal cut-off values, a variant classified as benign is not then subjected to further curation. The score for this variant resulted in a classification of benign for this disease.